The following is an entry in ClinVar:

ClinVar aggregate classification (germline): Pathogenic/Likely pathogenic. Review status: criteria provided, multiple submitters, no conflicts (2 of 4 stars). 2 submissions from 2 submitters: Pathogenic (1); Likely pathogenic (1). Last evaluated 2023-10-01.

Conditions:
Retinal dystrophy. Also called: Inherited retinal dystrophy. Identifiers: Orphanet 71862, MedGen C0854723, MeSH D058499, MONDO:0019118, HP:0000556.

Allele frequency attached by ClinVar (database versions not stated): gnomAD exomes below 0.00001.
gnomAD v4.1: 1 of 1,612,222 alleles (0.000062%); no homozygotes.

Submissions (2):

Dept Of Ophthalmology, Nagoya University
Classification: Likely pathogenic for Retinal dystrophy. Last evaluated: 2023-10-01. Review status: criteria provided, single submitter. Criteria: Submitter's publication. Collection method: research. Allele origin: germline. Affected: yes.

Labcorp Genetics (formerly Invitae), Labcorp
Classification: Pathogenic. Last evaluated: 2021-09-17. Review status: criteria provided, single submitter. Criteria: Invitae Variant Classification Sherloc (09022015). Collection method: clinical testing. Allele origin: germline.
Comment: Disruption of this splice site has been observed in individuals with retinitis pigmentosa (PMID: 16708387; Invitae). This variant is not present in population databases (ExAC no frequency). This sequence change affects an acceptor splice site in intron 4 of the PRPF31 gene. RNA analysis indicates that disruption of this splice site induces altered splicing and may result in an absent or disrupted protein product. Studies have shown that disruption of this splice site results in skipping of exon 5 and introduces a premature termination codon (PMID: 16708387). The resulting mRNA is expected to undergo nonsense-mediated decay. For these reasons, this variant has been classified as Pathogenic.

Literature cited by the submitters: PubMed 16708387 (cited by Labcorp Genetics (formerly Invitae), Labcorp).

NM_015629.4(PRPF31):c.323-1G>C

Genes: PRPF31 (pre-mRNA processing factor 31; plus strand), PRPF31-AS1 (PRPF31 antisense RNA 1; minus strand). Cytogenetic location: 19q13.42.
Variant type: single nucleotide variant.
Coding change: c.323-1G>C on transcript NM_015629.4 (MANE Select); the canonical splice acceptor site of the intron before coding-DNA position 323, G replaced by C.
Molecular consequence: splice acceptor variant.
Genome position (GRCh38, 1-based): chr19:54,122,496, G>C. VCF-style: chr19-54122496-G-C. GRCh37 (hg19) VCF-style: chr19-54625875-G-C.
Identifiers: ClinVar variation 1359371 (VCV001359371.7), dbSNP rs2146413215, ClinGen allele CA407749657.